The following is an entry in ClinVar:

ClinVar aggregate classification (germline): Benign/Likely benign. Review status: criteria provided, multiple submitters, no conflicts (2 of 4 stars). 3 submissions from 3 submitters: Benign (1); Likely benign (2). Last evaluated 2026-02-01.

Conditions:
Glycogen storage disease IXb (GSD9B). Also called: GLYCOGENOSIS OF LIVER AND MUSCLE, AUTOSOMAL RECESSIVE; GSD IXb; PHOSPHORYLASE KINASE DEFICIENCY OF LIVER AND MUSCLE, AUTOSOMAL RECESSIVE. Identifiers: Orphanet 79240, MedGen C0543514, MONDO:0009868, OMIM 261750.

Allele frequency attached by ClinVar (database versions not stated): TOPMed 0.00010; gnomAD 0.00014 and 0.00004; gnomAD exomes 0.00053; ExAC 0.00061; 1000 Genomes Project 30x 0.00094; 1000 Genomes Project 0.00120.
gnomAD v4.1: 745 of 1,558,954 alleles (0.048%); highest among the groups gnomAD compares: East Asian, 1.6%; 9 homozygotes.

Submissions (3):

Labcorp Genetics (formerly Invitae), Labcorp
Classification: Benign for Glycogen storage disease IXb. Last evaluated: 2026-02-01. Review status: criteria provided, single submitter. Criteria: Invitae Variant Classification Sherloc (09022015). Collection method: clinical testing. Allele origin: germline.

Illumina Laboratory Services, Illumina
Classification: Likely benign for Glycogen storage disease IXb. Last evaluated: 2018-01-12. Review status: criteria provided, single submitter. Criteria: ICSL Variant Classification Criteria 13 December 2019. Collection method: clinical testing. Allele origin: germline.
Comment: This variant was observed in the ICSL laboratory as part of a predisposition screen in an ostensibly healthy population. It had not been previously curated by ICSL or reported in the Human Gene Mutation Database (HGMD: prior to June 1st, 2018), and was therefore a candidate for classification through an automated scoring system. Utilizing variant allele frequency, disease prevalence and penetrance estimates, and inheritance mode, an automated score was calculated to assess if this variant is too frequent to cause the disease. Based on the score and internal cut-off values, a variant classified as likely benign is not then subjected to further curation. The score for this variant resulted in a classification of likely benign for this disease.

GeneDx
Classification: Likely benign. Last evaluated: 2017-03-14. Review status: criteria provided, single submitter. Criteria: GeneDx Variant Classification (06012015). Collection method: clinical testing. Allele origin: germline. Affected: yes.
Comment: This variant is considered likely benign or benign based on one or more of the following criteria: it is a conservative change, it occurs at a poorly conserved position in the protein, it is predicted to be benign by multiple in silico algorithms, and/or has population frequency not consistent with disease.

NM_000293.3(PHKB):c.870+10T>A

Gene: PHKB (phosphorylase kinase regulatory subunit beta; plus strand). Cytogenetic location: 16q12.1.
Variant type: single nucleotide variant.
Coding change: c.870+10T>A on transcript NM_000293.3 (MANE Select); 10 bases into the intron after coding-DNA position 870, T replaced by A.
Molecular consequence: intron variant.
Genome position (GRCh38, 1-based): chr16:47,587,773, T>A. VCF-style: chr16-47587773-T-A. GRCh37 (hg19) VCF-style: chr16-47621684-T-A.
Other names: c.870+10T>A (NM_001363837.1); c.849+10T>A (NM_001031835.3).
Identifiers: ClinVar variation 319342 (VCV000319342.12), dbSNP rs144932435, ClinGen allele CA8040641.